The following is an entry in ClinVar:

NM_003482.4(KMT2D):c.534C>A (p.Leu178=)

Gene: KMT2D (lysine methyltransferase 2D; minus strand). Cytogenetic location: 12q13.12.
Variant type: single nucleotide variant.
Coding change: c.534C>A on transcript NM_003482.4 (MANE Select); coding-DNA position 534, C replaced by A.
Protein change: p.Leu178=; no amino-acid change (leucine 178 retained).
Molecular consequence: synonymous variant.
Genome position (GRCh38, 1-based): chr12:49,054,117, G>T on the plus strand (C>A on the coding strand, the complement: KMT2D is on the minus strand). VCF-style: chr12-49054117-G-T. GRCh37 (hg19) VCF-style: chr12-49447900-G-T.
Identifiers: ClinVar variation 4743748 (VCV004743748.1).

ClinVar aggregate classification (germline): Uncertain significance (1 of 4 stars; one submission).

Conditions:
Kabuki syndrome. Also called: Kabuki make-up syndrome; NIIKAWA-KUROKI SYNDROME. Identifiers: Orphanet 2322, MedGen C0796004, MONDO:0016512.

Submission:

Labcorp Genetics (formerly Invitae), Labcorp
Classification: Uncertain significance for Kabuki syndrome. Last evaluated: 2025-04-13. Review status: criteria provided, single submitter. Criteria: Invitae Variant Classification Sherloc (09022015). Collection method: clinical testing. Allele origin: germline.
Comment: This sequence change affects codon 178 of the KMT2D mRNA. It is a 'silent' change, meaning that it does not change the encoded amino acid sequence of the KMT2D protein. The frequency data for this variant in the population databases is considered unreliable, as metrics indicate poor data quality at this position in the gnomAD database. This variant has not been reported in the literature in individuals affected with KMT2D-related conditions. Algorithms developed to predict the effect of sequence changes on RNA splicing suggest that this variant may disrupt the consensus splice site. In summary, the available evidence is currently insufficient to determine the role of this variant in disease. Therefore, it has been classified as a Variant of Uncertain Significance.